The following is an entry in ClinVar:

NM_000215.4(JAK3):c.1701+6A>G

Gene: JAK3 (Janus kinase 3; minus strand). Cytogenetic location: 19p13.11.
Variant type: single nucleotide variant.
Coding change: c.1701+6A>G on transcript NM_000215.4 (MANE Select); 6 bases into the intron after coding-DNA position 1701, A replaced by G.
Molecular consequence: intron variant.
Genome position (GRCh38, 1-based): chr19:17,837,926, T>C on the plus strand (A>G on the coding strand, the complement: JAK3 is on the minus strand). VCF-style: chr19-17837926-T-C. GRCh37 (hg19) VCF-style: chr19-17948735-T-C.
Identifiers: ClinVar variation 2416641 (VCV002416641.6), dbSNP rs1335007973, ClinGen allele CA632135926.

ClinVar aggregate classification (germline): Uncertain significance (1 of 4 stars; one submission).

Conditions:
T-B+ severe combined immunodeficiency due to JAK3 deficiency. Also called: SCID, T CELL-NEGATIVE, B CELL-POSITIVE, NK CELL-NEGATIVE; SCID, autosomal recessive, T-negative/B-positive type. Identifiers: Orphanet 35078, MedGen C1833275, MONDO:0010938, OMIM 600802.

Allele frequency attached by ClinVar (database versions not stated): gnomAD 0.00001.
gnomAD v4.1: 2 of 1,613,862 alleles (0.00012%); highest among the groups gnomAD compares: African/African-American, 0.0013%; no homozygotes.

Submission:

Labcorp Genetics (formerly Invitae), Labcorp
Classification: Uncertain significance for T-B+ severe combined immunodeficiency due to JAK3 deficiency. Last evaluated: 2023-12-07. Review status: criteria provided, single submitter. Criteria: Invitae Variant Classification Sherloc (09022015). Collection method: clinical testing. Allele origin: germline.
Comment: This sequence change falls in intron 12 of the JAK3 gene. It does not directly change the encoded amino acid sequence of the JAK3 protein. It affects a nucleotide within the consensus splice site. This variant is present in population databases (no rsID available, gnomAD 0.01%). This variant has not been reported in the literature in individuals affected with JAK3-related conditions. ClinVar contains an entry for this variant (Variation ID: 2416641). Variants that disrupt the consensus splice site are a relatively common cause of aberrant splicing (PMID: 17576681, 9536098). Algorithms developed to predict the effect of sequence changes on RNA splicing suggest that this variant is not likely to affect RNA splicing. In summary, the available evidence is currently insufficient to determine the role of this variant in disease. Therefore, it has been classified as a Variant of Uncertain Significance.

Literature cited by the submitters: PubMed 17576681; PubMed 9536098.